The following is an entry in ClinVar:

ClinVar aggregate classification (germline): Pathogenic (1 of 4 stars; one submission).

Conditions:
Cone-rod dystrophy 6 (CORD6). Also called: RETINAL CONE DYSTROPHY 2; Cone dystrophy progressive. Identifiers: Orphanet 1872, MedGen C1866293, MONDO:0011143, OMIM 601777.
Leber congenital amaurosis 1 (LCA1). Also called: RETINAL BLINDNESS, CONGENITAL; Congenital absence of the rods and cones; Leber's congenital tapetoretinal degeneration; Leber's congenital tapetoretinal dysplasia; AMAUROSIS CONGENITA OF LEBER I. Identifiers: Orphanet 65, MedGen C2931258, MONDO:0008764, OMIM 204000.

Submission:

Labcorp Genetics (formerly Invitae), Labcorp
Classification: Pathogenic for Leber congenital amaurosis 1; Cone-rod dystrophy 6. Last evaluated: 2023-10-22. Review status: criteria provided, single submitter. Criteria: Invitae Variant Classification Sherloc (09022015). Collection method: clinical testing. Allele origin: germline.
Comment: This sequence change creates a premature translational stop signal (p.Leu911Thrfs*3) in the GUCY2D gene. It is expected to result in an absent or disrupted protein product. Loss-of-function variants in GUCY2D are known to be pathogenic (PMID: 10951519, 11328726). This variant is not present in population databases (gnomAD no frequency). This variant has not been reported in the literature in individuals affected with GUCY2D-related conditions. Algorithms developed to predict the effect of sequence changes on RNA splicing suggest that this variant may disrupt the consensus splice site. For these reasons, this variant has been classified as Pathogenic.

Literature cited by the submitters: PubMed 10951519; PubMed 11328726.

NM_000180.4(GUCY2D):c.2730dup (p.Leu911fs)

Gene: GUCY2D (guanylate cyclase 2D, retinal; plus strand). Cytogenetic location: 17p13.1.
Variant type: Duplication.
Coding change: c.2730dup on transcript NM_000180.4 (MANE Select); coding-DNA position 2730, one base duplicated (A; older notation c.2730dupA).
Protein change: p.Leu911fs; shifts the reading frame from leucine 911.
Molecular consequence: frameshift variant.
Genome position (GRCh38, 1-based): chr17:8,015,012, A duplicated. VCF-style (leftmost placement, unchanged base first): chr17-8015011-C-CA. GRCh37 (hg19) VCF-style: chr17-7918329-C-CA.
Other names: short protein forms L911fs.
Identifiers: ClinVar variation 2953195 (VCV002953195.3), dbSNP rs2545426389, ClinGen allele CA2740095251.
Genomic context (GRCh38, chr17:8,015,011, plus strand): 5'-CCACCATCTCTGCCATGAGTGAGCCCATTGAGGTTGTGGACCTGCTCAACGATCTCTACA[C>CA]ACTCTTTGATGCCATCATTGGTTCCCACGATGTCTACAAGGTGCAGTGTGTAGGGGACAA-3'